The following is an entry in ClinVar:

NM_000170.3(GLDC):c.2639A>C (p.Asp880Ala)

Gene: GLDC (glycine decarboxylase; minus strand). Cytogenetic location: 9p24.1.
Variant type: single nucleotide variant.
Coding change: c.2639A>C on transcript NM_000170.3 (MANE Select); coding-DNA position 2639, A replaced by C.
Protein change: p.Asp880Ala; replaces aspartic acid 880 with alanine.
Molecular consequence: missense variant.
Genome position (GRCh38, 1-based): chr9:6,540,077, T>G on the plus strand (A>C on the coding strand, the complement: GLDC is on the minus strand). VCF-style: chr9-6540077-T-G. GRCh37 (hg19) VCF-style: chr9-6540077-T-G.
Other names: short protein forms D880A.
Identifiers: ClinVar variation 4782258 (VCV004782258.1).

ClinVar aggregate classification (germline): Likely pathogenic (1 of 4 stars; one submission).

Conditions:
Glycine encephalopathy. Also called: Nonketotic hyperglycinemia; Non-ketotic hyperglycinemia. Identifiers: Orphanet 407, MedGen C0751748, MONDO:0011612, HP:0008288.

Submission:

Labcorp Genetics (formerly Invitae), Labcorp
Classification: Likely pathogenic for Glycine encephalopathy. Last evaluated: 2025-08-20. Review status: criteria provided, single submitter. Criteria: Invitae Variant Classification Sherloc (09022015). Collection method: clinical testing. Allele origin: germline.
Comment: This sequence change replaces aspartic acid, which is acidic and polar, with alanine, which is neutral and non-polar, at codon 880 of the GLDC protein (p.Asp880Ala). This variant is not present in population databases (gnomAD no frequency). This variant has not been reported in the literature in individuals affected with GLDC-related conditions. Invitae Evidence Modeling of protein sequence and biophysical properties (such as structural, functional, and spatial information, amino acid conservation, physicochemical variation, residue mobility, and thermodynamic stability) indicates that this missense variant is expected to disrupt GLDC protein function with a positive predictive value of 95%. This variant disrupts the p.Asp880 amino acid residue in GLDC. Other variant(s) that disrupt this residue have been determined to be pathogenic (PMID: 16601880). This suggests that this residue is clinically significant, and that variants that disrupt this residue are likely to be disease-causing. In summary, the currently available evidence indicates that the variant is pathogenic, but additional data are needed to prove that conclusively. Therefore, this variant has been classified as Likely Pathogenic.

Literature cited by the submitters: PubMed 16601880.